The following is an entry in ClinVar:

NM_024529.5(CDC73):c.343G>T (p.Glu115Ter)

Gene: CDC73 (cell division cycle 73; plus strand). Cytogenetic location: 1q31.2.
Variant type: single nucleotide variant.
Coding change: c.343G>T on transcript NM_024529.5 (MANE Select); coding-DNA position 343, G replaced by T.
Protein change: p.Glu115Ter; replaces glutamic acid 115 with a stop codon.
Molecular consequence: nonsense.
Genome position (GRCh38, 1-based): chr1:193,135,426, G>T. VCF-style: chr1-193135426-G-T. GRCh37 (hg19) VCF-style: chr1-193104556-G-T.
Other names: short protein forms E115*.
Identifiers: ClinVar variation 2734059 (VCV002734059.3), dbSNP rs2527311881, ClinGen allele CA343960425.

ClinVar aggregate classification (germline): Pathogenic (1 of 4 stars; one submission).

Conditions:
Parathyroid carcinoma (PRTC). Also called: CDC73-Related Parathyroid Carcinoma; Parathyroid gland carcinoma. Identifiers: Orphanet 143, MedGen C0687150, MONDO:0012004, OMIM 608266, HP:0006780.

Submission:

Labcorp Genetics (formerly Invitae), Labcorp
Classification: Pathogenic for Parathyroid carcinoma. Last evaluated: 2022-10-26. Review status: criteria provided, single submitter. Criteria: Invitae Variant Classification Sherloc (09022015). Collection method: clinical testing. Allele origin: germline.
Comment: This sequence change creates a premature translational stop signal (p.Glu115*) in the CDC73 gene. It is expected to result in an absent or disrupted protein product. Loss-of-function variants in CDC73 are known to be pathogenic (PMID: 12434154). This variant is not present in population databases (gnomAD no frequency). For these reasons, this variant has been classified as Pathogenic. This premature translational stop signal has been observed in individual(s) with CDC73-related conditions (PMID: 19092296, 32590342).

Literature cited by the submitters: PubMed 12434154; PubMed 19092296; PubMed 32590342.